The following is an entry in ClinVar:

ClinVar aggregate classification (germline): Conflicting classifications of pathogenicity. Review status: criteria provided, conflicting classifications (1 of 4 stars). 2 submissions from 2 submitters: Likely pathogenic, low penetrance (1); Uncertain significance (1). Last evaluated 2025-09-26.

Conditions:
CFI-related disorder. Also called: CFI-related condition; CFI-related disorders. Identifiers: MedGen CN239325.

gnomAD v4.1: 8 of 1,613,304 alleles (0.0005%); highest among the groups gnomAD compares: Non-Finnish European, 0.00068%; no homozygotes.

Submissions (2):

Genomenon, Inc
Classification: Likely pathogenic, low penetrance for CFI-related disorder. Last evaluated: 2025-09-26. Review status: criteria provided, single submitter. Criteria: Genomenon Sequence Variant Interpretation Standards - Updated. Collection method: curation. Allele origin: germline. Affected: no.
Comment: CFI p.Glu290Asp (c.870A>C) is a missense variant that changes the amino acid at residue 290 from Glutamic acid to Aspartic acid. To our knowledge, this variant has not been reported in patients affected with CFI-related disorders in the published literature. At least one functional study has demonstrated a substantial alteration in protein function relative to the wild-type (PMID:32510551). The variant is located in a mutational hotspot. It is absent or not present at a significant frequency in gnomAD. In silico models agree that this variant is possibly or probably damaging. In conclusion, we classify CFI p.Glu290Asp (c.870A>C) as a likely pathogenic, low penetrance variant.

Labcorp Genetics (formerly Invitae), Labcorp
Classification: Uncertain significance. Last evaluated: 2025-05-12. Review status: criteria provided, single submitter. Criteria: Invitae Variant Classification Sherloc (09022015). Collection method: clinical testing. Allele origin: germline.
Comment: This sequence change replaces glutamic acid, which is acidic and polar, with aspartic acid, which is acidic and polar, at codon 290 of the CFI protein (p.Glu290Asp). This variant is present in population databases (rs754922990, gnomAD 0.002%). This missense change has been observed in individual(s) with macular degeneration (PMID: 28282489). ClinVar contains an entry for this variant (Variation ID: 3671522). Invitae Evidence Modeling of protein sequence and biophysical properties (such as structural, functional, and spatial information, amino acid conservation, physicochemical variation, residue mobility, and thermodynamic stability) indicates that this missense variant is expected to disrupt CFI protein function with a positive predictive value of 80%. Experimental studies have shown that this missense change affects CFI function (PMID: 28282489, 32510551). In summary, the available evidence is currently insufficient to determine the role of this variant in disease. Therefore, it has been classified as a Variant of Uncertain Significance.

Literature cited by the submitters: PubMed 32510551 (cited by Genomenon, Inc and Labcorp Genetics (formerly Invitae), Labcorp); PubMed 28282489 (cited by Labcorp Genetics (formerly Invitae), Labcorp).

NM_000204.5(CFI):c.870A>C (p.Glu290Asp)

Gene: CFI (complement factor I; minus strand). Cytogenetic location: 4q25.
Variant type: single nucleotide variant.
Coding change: c.870A>C on transcript NM_000204.5 (MANE Select); coding-DNA position 870, A replaced by C.
Protein change: p.Glu290Asp; replaces glutamic acid 290 with aspartic acid.
Molecular consequence: missense variant. On other transcripts: non-coding transcript variant (3).
Genome position (GRCh38, 1-based): chr4:109,760,283, T>G on the plus strand (A>C on the coding strand, the complement: CFI is on the minus strand). VCF-style: chr4-109760283-T-G. GRCh37 (hg19) VCF-style: chr4-110681439-T-G.
Other names: c.870A>C, p.Glu290Asp (NM_001318057.2, NM_001331035.2, NM_001375278.1 and 5 more transcripts); c.261A>C, p.Glu87Asp (NM_001375284.1); short protein forms E87D, E290D.
Identifiers: ClinVar variation 3671522 (VCV003671522.3).
Genomic context (GRCh38, chr4:109,760,283, plus strand): 5'-CCCTGGATTCAATAATGAAAAAAAGTCACCCCAAGTCTTTCAATTACCTGCACAGCCAAC[T>G]TCATCTTCCCCTGTAATGCAGTCCACCTCACCATTGCATTGATACTGGCTTGGAATGCAA-3'
Protein context (NP_000195.3, residues 280-300): GEVDCITGED[Glu290Asp]VGCAGFASVT